The following is an entry in ClinVar:

NM_006662.3(SRCAP):c.8294GGC[6] (p.Arg2768_Gln2769insArgArg)

Gene: SRCAP (Snf2 related CREBBP activator protein; plus strand). Cytogenetic location: 16p11.2.
Variant type: Microsatellite.
Coding change: c.8294GGC[6] on transcript NM_006662.3 (MANE Select); six copies in a row of the 3-base unit GGC starting at c.8294; the reference has four copies in a row; two copies, 6 bases duplicated.
Protein change: p.Arg2768_Gln2769insArgArg.
Molecular consequence: inframe insertion.
Genome position (GRCh38, 1-based): chr16:30,738,340-30,738,345, GGCGGC duplicated; duplicating any 6 consecutive bases within chr16:30,738,332-30,738,345 gives the same sequence; the position shown is the placement nearest the transcript's 3' end. VCF-style (leftmost placement, unchanged base first): chr16-30738331-T-TGCGGCG. GRCh37 (hg19) VCF-style: chr16-30749652-T-TGCGGCG.
Identifiers: ClinVar variation 1970572 (VCV001970572.5), dbSNP rs745558501, ClinGen allele CA976310511.

ClinVar aggregate classification (germline): Uncertain significance (1 of 4 stars; one submission).

Submission:

Labcorp Genetics (formerly Invitae), Labcorp
Classification: Uncertain significance. Last evaluated: 2024-10-24. Review status: criteria provided, single submitter. Criteria: Invitae Variant Classification Sherloc (09022015). Collection method: clinical testing. Allele origin: germline.
Comment: This variant, c.8300_8305dup, results in the insertion of 2 amino acid(s) of the SRCAP protein (p.Arg2767_Arg2768dup), but otherwise preserves the integrity of the reading frame. This variant is not present in population databases (gnomAD no frequency). This variant has not been reported in the literature in individuals affected with SRCAP-related conditions. Experimental studies and prediction algorithms are not available or were not evaluated, and the functional significance of this variant is currently unknown. In summary, the available evidence is currently insufficient to determine the role of this variant in disease. Therefore, it has been classified as a Variant of Uncertain Significance.